The following is an entry in ClinVar:

NM_001378615.1(CC2D2A):c.247+419C>T

Genes: CC2D2A (coiled-coil and C2 domain containing 2A; plus strand), FBXL5 (F-box and leucine rich repeat protein 5; minus strand). Cytogenetic location: 4p15.32.
Variant type: single nucleotide variant.
Coding change: c.247+419C>T on transcript NM_001378615.1 (MANE Select); 419 bases into the intron after coding-DNA position 247, C replaced by T.
Molecular consequence: intron variant. On other transcripts: synonymous variant (1), 3 prime UTR variant (1).
Genome position (GRCh38, 1-based): chr4:15,481,246, C>T. VCF-style: chr4-15481246-C-T. GRCh37 (hg19) VCF-style: chr4-15482870-C-T.
Other names: c.297C>T, p.His99= (NM_001164720.3); c.*34C>T (NM_020785.2); c.247+419C>T (NM_001080522.2); c.100+419C>T (NM_001378617.1).
Identifiers: ClinVar variation 3048086 (VCV003048086.2), dbSNP rs779151956, ClinGen allele CA2863324.
Genomic context (GRCh38, chr4:15,481,246, plus strand): 5'-TTCACTCACAGGAGAGCTGGTTGTTAAAAAGAGCCTGGGCAGGCCAGGCACGGTGACTCA[C>T]GTCTGTAATCCCAGCACTTTGGAAGGCCGAGGCGGGTAAATCACCTGAGGTTGGGAGTTC-3'

ClinVar aggregate classification (germline): Likely benign (0 of 4 stars; one submission).

Conditions:
CC2D2A-related disorder. Also called: CC2D2A-related disorders; CC2D2A-related condition. Identifiers: MedGen CN239313.

Allele frequency attached by ClinVar (database versions not stated): 1000 Genomes Project 30x 0.00016; gnomAD exomes 0.00024; ExAC 0.00066.
gnomAD v4.1: 75 of 454,754 alleles (0.016%); highest among the groups gnomAD compares: South Asian, 0.099%; 3 homozygotes.

Submission:

PreventionGenetics, part of Exact Sciences
Classification: Likely benign for CC2D2A-related condition. Last evaluated: 2019-11-26. Review status: no assertion criteria provided. Collection method: clinical testing. Allele origin: germline.
Comment: This variant is classified as likely benign based on ACMG/AMP sequence variant interpretation guidelines (Richards et al. 2015 PMID: 25741868, with internal and published modifications).